The following is an entry in ClinVar:

NM_003742.4(ABCB11):c.3083C>A (p.Ala1028Glu)

Gene: ABCB11 (ATP binding cassette subfamily B member 11; minus strand). Cytogenetic location: 2q31.1.
Variant type: single nucleotide variant.
Coding change: c.3083C>A on transcript NM_003742.4 (MANE Select); coding-DNA position 3083, C replaced by A.
Protein change: p.Ala1028Glu; replaces alanine 1028 with glutamic acid.
Molecular consequence: missense variant.
Genome position (GRCh38, 1-based): chr2:168,932,507, G>T on the plus strand (C>A on the coding strand, the complement: ABCB11 is on the minus strand). VCF-style: chr2-168932507-G-T. GRCh37 (hg19) VCF-style: chr2-169789017-G-T.
Other names: short protein forms A1028E.
Identifiers: ClinVar variation 3768377 (VCV003768377.2).

ClinVar aggregate classification (germline): Uncertain significance. Review status: criteria provided, multiple submitters, no conflicts (2 of 4 stars). 2 submissions from 2 submitters: Uncertain significance (2). Last evaluated 2026-04-14.

Conditions:
Familial intrahepatic cholestasis. Identifiers: Orphanet 284385, MedGen CN296401, MONDO:0017290.

Submissions (2):

Genomenon, Inc
Classification: Uncertain significance for Familial intrahepatic cholestasis. Last evaluated: 2026-04-14. Review status: criteria provided, single submitter. Criteria: Genomenon Sequence Variant Interpretation Standards - Updated. Collection method: curation. Allele origin: germline. Affected: yes.
Comment: ABCB11 p.Ala1028Glu (c.3083C>A) is a missense variant that changes the amino acid at residue 1028 from Alanine to Glutamic acid. This variant has been observed in at least one proband with an ABCB11-related disorder (PMID:28733223). It is absent or not present at a significant frequency in gnomAD. In silico models predict that this variant is possibly or probably damaging. In conclusion, we classify ABCB11 p.Ala1028Glu (c.3083C>A) as a variant of uncertain significance.

Women's Health and Genetics/Laboratory Corporation of America, LabCorp
Classification: Uncertain significance. Last evaluated: 2024-12-26. Review status: criteria provided, single submitter. Criteria: LabCorp Variant Classification Summary - May 2015. Collection method: clinical testing. Allele origin: germline.
Comment: Variant summary: ABCB11 c.3083C>A (p.Ala1028Glu) results in a non-conservative amino acid change located in the 2nd transmembrane domain (IPR011527) of the encoded protein sequence. Four of four in-silico tools predict a damaging effect of the variant on protein function. The variant was absent in 248512 control chromosomes (gnomAD). The available data on variant occurrences in the general population are insufficient to allow any conclusion about variant significance. c.3083C>A has been reported in the literature in at least one individual affected with Familial Intrahepatic Cholestasis (Droge_2017), who also carried a 2nd (likely) pathogenic variant. These data do not allow clear conclusions about variant significance. To our knowledge, no experimental evidence demonstrating an impact on protein function has been reported. The following publication have been ascertained in the context of this evaluation (PMID: 28733223). No submitters have cited clinical-significance assessments for this variant to ClinVar. Based on the evidence outlined above, the variant was classified as uncertain significance.

Literature cited by the submitters: PubMed 28733223 (cited by Genomenon, Inc and Women's Health and Genetics/Laboratory Corporation of America, LabCorp).